The following is an entry in ClinVar:

ClinVar aggregate classification (germline): Uncertain significance (1 of 4 stars; one submission).

gnomAD v4.1: 9 of 1,204,733 alleles (0.00075%); highest among the groups gnomAD compares: Admixed American, 0.018%; no homozygotes.

Submission:

Ambry Genetics
Classification: Uncertain significance. Last evaluated: 2025-11-13. Review status: criteria provided, single submitter. Criteria: Ambry Variant Classification Scheme 2023. Collection method: clinical testing. Allele origin: germline.
Comment: The c.404C>T (p.P135L) alteration is located in exon 6 (coding exon 6) of the STARD8 gene. This alteration results from a C to T substitution at nucleotide position 404, causing the proline (P) at amino acid position 135 to be replaced by a leucine (L). Based on data from gnomAD, the T allele has an overall frequency of 0.001% (2/169296) total alleles studied. The highest observed frequency was 0.024% (1/4240) of Other alleles. Based on insufficient or conflicting evidence, the clinical significance of this alteration remains unclear.

NM_001142503.3(STARD8):c.404C>T (p.Pro135Leu)

Gene: STARD8 (StAR related lipid transfer domain containing 8; plus strand). Cytogenetic location: Xq13.1.
Variant type: single nucleotide variant.
Coding change: c.404C>T on transcript NM_001142503.3 (MANE Select); coding-DNA position 404, C replaced by T.
Protein change: p.Pro135Leu; replaces proline 135 with leucine.
Molecular consequence: missense variant.
Genome position (GRCh38, 1-based): chrX:68,717,318, C>T. VCF-style: chrX-68717318-C-T. GRCh37 (hg19) VCF-style: chrX-67937160-C-T.
Other names: c.164C>T, p.Pro55Leu (NM_001142504.3, NM_014725.5); short protein forms P55L, P135L.
Identifiers: ClinVar variation 4590386 (VCV004590386.1).